The following is an entry in ClinVar:

ClinVar aggregate classification (germline): Likely benign. Review status: criteria provided, multiple submitters, no conflicts (2 of 4 stars). 3 submissions from 3 submitters: Likely benign (3). Last evaluated 2026-01-09.

Conditions:
PLEKHG5-related disorder. Also called: PLEKHG5-related condition.
Inborn genetic diseases. Identifiers: MedGen C0950123, MeSH D030342.
Charcot-Marie-Tooth disease recessive intermediate C. Also called: CHARCOT-MARIE-TOOTH NEUROPATHY, RECESSIVE INTERMEDIATE C. Identifiers: Orphanet 369867, MedGen C3809309, MONDO:0014154, OMIM 615376.
Neuronopathy, distal hereditary motor, autosomal recessive 4. Also called: NEUROPATHY, DISTAL HEREDITARY MOTOR, AUTOSOMAL RECESSIVE 4; Autosomal recessive lower motor neuron disease with childhood onset. Identifiers: Orphanet 206580, MedGen C1970211, MONDO:0012608, OMIM 611067.

Allele frequency attached by ClinVar (database versions not stated): TOPMed 0.00005; ExAC 0.00009.
gnomAD v4.1: 112 of 1,572,668 alleles (0.0071%); highest among the groups gnomAD compares: South Asian, 0.021%; no homozygotes.

Submissions (3):

Labcorp Genetics (formerly Invitae), Labcorp
Classification: Likely benign for Neuronopathy, distal hereditary motor, autosomal recessive 4; Charcot-Marie-Tooth disease recessive intermediate C. Last evaluated: 2026-01-09. Review status: criteria provided, single submitter. Criteria: Invitae Variant Classification Sherloc (09022015). Collection method: clinical testing. Allele origin: germline.

PreventionGenetics, part of Exact Sciences
Classification: Likely benign for PLEKHG5-related condition. Last evaluated: 2025-04-25. Review status: criteria provided, single submitter. Criteria: ACMG Guidelines, 2015. Collection method: clinical testing. Allele origin: germline.
Comment: This variant is classified as likely benign based on ACMG/AMP sequence variant interpretation guidelines (Richards et al. 2015 PMID: 25741868, with internal and published modifications).

Ambry Genetics
Classification: Likely benign for Inborn genetic diseases. Last evaluated: 2019-07-11. Review status: criteria provided, single submitter. Criteria: Ambry Variant Classification Scheme 2023. Collection method: clinical testing. Allele origin: germline.

NM_020631.6(PLEKHG5):c.2886G>A (p.Ser962=)

Gene: PLEKHG5 (pleckstrin homology and RhoGEF domain containing G5; minus strand). Cytogenetic location: 1p36.31.
Variant type: single nucleotide variant.
Coding change: c.2886G>A on transcript NM_020631.6 (MANE Select); coding-DNA position 2886, G replaced by A.
Protein change: p.Ser962=; no amino-acid change (serine 962 retained).
Molecular consequence: synonymous variant. On other transcripts: intron variant (1).
Genome position (GRCh38, 1-based): chr1:6,467,950, C>T on the plus strand (G>A on the coding strand, the complement: PLEKHG5 is on the minus strand). VCF-style: chr1-6467950-C-T. GRCh37 (hg19) VCF-style: chr1-6528010-C-T.
Other names: c.2997G>A, p.Ser999= (NM_001042663.3, NM_001265592.2); c.2886G>A, p.Ser962= (NM_001042664.2, NM_001042665.2, NM_198681.4); c.3093G>A, p.Ser1031= (NM_001265593.2); c.2738-52G>A (NM_001265594.3).
Identifiers: ClinVar variation 577879 (VCV000577879.22), dbSNP rs749015188, ClinGen allele CA561074.